The following is an entry in ClinVar:

NM_000642.3(AGL):c.523del (p.Ala176fs)

Gene: AGL (amylo-alpha-1,6-glucosidase and 4-alpha-glucanotransferase; plus strand). Cytogenetic location: 1p21.2.
Variant type: Deletion.
Coding change: c.523del on transcript NM_000642.3 (MANE Select); coding-DNA position 523, one base deleted (C; older notation c.523delC).
Protein change: p.Ala176fs; shifts the reading frame from alanine 176.
Molecular consequence: frameshift variant. On other transcripts: intron variant (2).
Genome position (GRCh38, 1-based): chr1:99,864,448, C deleted; the last of 3 consecutive C bases (chr1:99,864,446-99,864,448); deleting any one gives the same sequence. VCF-style (leftmost placement, unchanged base first): chr1-99864445-TC-T. GRCh37 (hg19) VCF-style: chr1-100330001-TC-T.
Other names: c.523del, p.Ala176fs (NM_000028.3, NM_000643.3, NM_000644.3 and 3 more transcripts); c.475del, p.Ala160fs (NM_000646.3); c.145del, p.Ala50fs (NM_001425332.1); c.460+2025del (NM_001425328.1, NM_001425329.1); short protein forms A160fs, A176fs, A50fs.
Identifiers: ClinVar variation 5016233 (VCV005016233.1).

ClinVar aggregate classification (germline): Pathogenic (1 of 4 stars; one submission).

Conditions:
Glycogen storage disease type III (GSD3). Also called: FORBES DISEASE; Cori disease. Identifiers: Orphanet 366, MedGen C0017922, MONDO:0009291, OMIM 232400.

Submission:

Myriad Genetics, Inc.
Classification: Pathogenic for Glycogen storage disease type III. Last evaluated: 2026-08-13. Review status: criteria provided, single submitter. Criteria: Myriad Autosomal Dominant, Autosomal Recessive and X-Linked Classification Criteria (2023). Collection method: clinical testing. Allele origin: unknown.
Comment: NM_000642.2(AGL):c.523delC(A176Pfs*4) is expected to be pathogenic in the context of glycogen storage disease type III. This variant is predicted to lead to an abnormal or absent protein product due to the creation of a premature termination codon in AGL, a gene where loss-of-function variants are known to be pathogenic. Please note: this variant was assessed in the context of healthy population screening.